The following is an entry in ClinVar:

ClinVar aggregate classification (germline): Likely benign (0 of 4 stars; one submission).

Conditions:
FOXD1-related disorder. Also called: FOXD1-related condition.

Submission:

PreventionGenetics, part of Exact Sciences
Classification: Likely benign for FOXD1-related condition. Last evaluated: 2021-03-02. Review status: no assertion criteria provided. Collection method: clinical testing. Allele origin: germline.
Comment: This variant is classified as likely benign based on ACMG/AMP sequence variant interpretation guidelines (Richards et al. 2015 PMID: 25741868, with internal and published modifications).

NM_004472.3(FOXD1):c.609G>C (p.Pro203=)

Gene: FOXD1 (forkhead box D1; minus strand). Cytogenetic location: 5q13.2.
Variant type: single nucleotide variant.
Coding change: c.609G>C on transcript NM_004472.3 (MANE Select); coding-DNA position 609, G replaced by C.
Protein change: p.Pro203=; no amino-acid change (proline 203 retained).
Molecular consequence: synonymous variant.
Genome position (GRCh38, 1-based): chr5:73,447,754, C>G on the plus strand (G>C on the coding strand, the complement: FOXD1 is on the minus strand). VCF-style: chr5-73447754-C-G. GRCh37 (hg19) VCF-style: chr5-72743579-C-G.
Identifiers: ClinVar variation 3030145 (VCV003030145.2), dbSNP rs1160322965, ClinGen allele CA445096594.